The following is an entry in ClinVar:

NM_015272.5(RPGRIP1L):c.961C>T (p.Arg321Cys)

Gene: RPGRIP1L (RPGRIP1 like; minus strand). Cytogenetic location: 16q12.2.
Variant type: single nucleotide variant.
Coding change: c.961C>T on transcript NM_015272.5 (MANE Select); coding-DNA position 961, C replaced by T.
Protein change: p.Arg321Cys; replaces arginine 321 with cysteine.
Molecular consequence: missense variant.
Genome position (GRCh38, 1-based): chr16:53,672,938, G>A on the plus strand (C>T on the coding strand, the complement: RPGRIP1L is on the minus strand). VCF-style: chr16-53672938-G-A. GRCh37 (hg19) VCF-style: chr16-53706850-G-A.
Other names: c.961C>T (NM_015272.2, NM_015272.4); c.961C>T, p.Arg321Cys (NM_001127897.4, NM_001308334.3, NM_001330538.2); short protein forms R321C.
Identifiers: ClinVar variation 2069030 (VCV002069030.5), dbSNP rs200702823, ClinGen allele CA281355837.

ClinVar aggregate classification (germline): Uncertain significance. Review status: criteria provided, multiple submitters, no conflicts (2 of 4 stars). 4 submissions from 4 submitters: Uncertain significance (4). Last evaluated 2026-04-15.

Conditions:
RPGRIP1L-related disorder. Also called: RPGRIP1L-related disorders; RPGRIP1L-related condition. Identifiers: MedGen CN239416.
Inborn genetic diseases. Identifiers: MedGen C0950123, MeSH D030342.
Joubert syndrome. Also called: Familial aplasia of the vermis; JOUBERT-BOLTSHAUSER SYNDROME. Identifiers: Orphanet 475, MedGen C5979921, MONDO:0018772.
Meckel-Gruber syndrome. Also called: Dysencephalia splachnocystica; DYSENCEPHALIA SPLANCHNOCYSTICA; GRUBER SYNDROME. Identifiers: Orphanet 564, MedGen C0265215, MONDO:0018921.

Allele frequency attached by ClinVar (database versions not stated): gnomAD 0.00001; gnomAD exomes 0.00001; TOPMed 0.00001.

Submissions (4):

PreventionGenetics, part of Exact Sciences
Classification: Uncertain significance for RPGRIP1L-related condition. Last evaluated: 2026-04-15. Review status: criteria provided, single submitter. Criteria: ACMG Guidelines, 2015. Collection method: clinical testing. Allele origin: germline.
Comment: The RPGRIP1L c.961C>T variant is predicted to result in the amino acid substitution p.Arg321Cys. To our knowledge, this variant has not been reported in the literature. This variant is reported in 0.0039% of alleles in individuals of European (Non-Finnish) descent in gnomAD. A different substitution affecting the same amino acid (c.962G>A, p.Arg321His) has been reported in an individual with Joubert syndrome and in an individual with adolescent idiopathic scoliosis (Suzuki et al. 2016. PubMed ID: 27434533; Supplementary Table 4, Jiang et al. 2020. PubMed ID: 32381728). At this time, the clinical significance of this variant is uncertain due to the absence of conclusive functional and genetic evidence.

Blueprint Genetics
Classification: Uncertain significance. Last evaluated: 2023-11-09. Review status: criteria provided, single submitter. Criteria: ACMG Guidelines, 2015. Collection method: clinical testing. Allele origin: germline.

Ambry Genetics
Classification: Uncertain significance for Inborn genetic diseases. Last evaluated: 2023-05-24. Review status: criteria provided, single submitter. Criteria: Ambry Variant Classification Scheme 2023. Collection method: clinical testing. Allele origin: germline.

Labcorp Genetics (formerly Invitae), Labcorp
Classification: Uncertain significance for Joubert syndrome; Meckel-Gruber syndrome. Last evaluated: 2022-02-23. Review status: criteria provided, single submitter. Criteria: Invitae Variant Classification Sherloc (09022015). Collection method: clinical testing. Allele origin: germline.
Comment: This sequence change replaces arginine, which is basic and polar, with cysteine, which is neutral and slightly polar, at codon 321 of the RPGRIP1L protein (p.Arg321Cys). This variant is present in population databases (rs200702823, gnomAD 0.004%). This variant has not been reported in the literature in individuals affected with RPGRIP1L-related conditions. Algorithms developed to predict the effect of missense changes on protein structure and function (SIFT, PolyPhen-2, Align-GVGD) all suggest that this variant is likely to be disruptive. In summary, the available evidence is currently insufficient to determine the role of this variant in disease. Therefore, it has been classified as a Variant of Uncertain Significance.